The following is an entry in ClinVar:

ClinVar aggregate classification (germline): Conflicting classifications of pathogenicity. Review status: criteria provided, conflicting classifications (1 of 4 stars). 4 submissions from 4 submitters: Uncertain significance (2); Likely benign (1). 1 of the submissions does not count toward it. Last evaluated 2024-12-06.

Conditions:
Cardiovascular phenotype. Identifiers: MedGen CN230736.
Alstrom syndrome (ALMS). Identifiers: Orphanet 64, MedGen C0268425, MONDO:0008763, OMIM 203800.

Allele frequency attached by ClinVar (database versions not stated): gnomAD exomes below 0.00001 and 0.00007; gnomAD 0.00004; TOPMed 0.00006.
gnomAD v4.1: 115 of 1,612,730 alleles (0.0071%); highest among the groups gnomAD compares: Non-Finnish European, 0.0092%; no homozygotes.

Submissions (4):

Ambry Genetics
Classification: Likely benign for Cardiovascular phenotype. Last evaluated: 2024-12-06. Review status: criteria provided, single submitter. Criteria: Ambry Variant Classification Scheme 2023. Collection method: clinical testing. Allele origin: germline.

Labcorp Genetics (formerly Invitae), Labcorp
Classification: Uncertain significance for Alstrom syndrome. Last evaluated: 2022-07-26. Review status: criteria provided, single submitter. Criteria: Invitae Variant Classification Sherloc (09022015). Collection method: clinical testing. Allele origin: germline.
Comment: This sequence change replaces serine, which is neutral and polar, with phenylalanine, which is neutral and non-polar, at codon 1816 of the ALMS1 protein (p.Ser1816Phe). This variant is present in population databases (rs528863432, gnomAD 0.002%). This variant has not been reported in the literature in individuals affected with ALMS1-related conditions. ClinVar contains an entry for this variant (Variation ID: 648258). Algorithms developed to predict the effect of missense changes on protein structure and function output the following: SIFT: "Not Available"; PolyPhen-2: "Not Available"; Align-GVGD: "Not Available". The phenylalanine amino acid residue is found in multiple mammalian species, which suggests that this missense change does not adversely affect protein function. In summary, the available evidence is currently insufficient to determine the role of this variant in disease. Therefore, it has been classified as a Variant of Uncertain Significance.

Fulgent Genetics
Classification: Uncertain significance for Alstrom syndrome. Last evaluated: 2021-12-10. Review status: criteria provided, single submitter. Criteria: ACMG Guidelines, 2015. Collection method: clinical testing. Allele origin: unknown.

Natera, Inc.
Classification: Uncertain significance for Alstrom syndrome. Last evaluated: 2020-09-16. Review status: no assertion criteria provided. Collection method: clinical testing. Allele origin: germline. Not counted in ClinVar's aggregate classification.

NM_001378454.1(ALMS1):c.5444C>T (p.Ser1815Phe)

Gene: ALMS1 (ALMS1 centrosome and basal body associated protein; plus strand). Cytogenetic location: 2p13.1.
Variant type: single nucleotide variant.
Coding change: c.5444C>T on transcript NM_001378454.1 (MANE Select); coding-DNA position 5444, C replaced by T.
Protein change: p.Ser1815Phe; replaces serine 1815 with phenylalanine.
Molecular consequence: missense variant.
Genome position (GRCh38, 1-based): chr2:73,451,971, C>T. VCF-style: chr2-73451971-C-T. GRCh37 (hg19) VCF-style: chr2-73679098-C-T.
Other names: c.5447C>T, p.Ser1816Phe (NM_015120.4); short protein forms S1816F, S1815F.
Identifiers: ClinVar variation 648258 (VCV000648258.8), dbSNP rs528863432, ClinGen allele CA50396640.